The following is an entry in ClinVar:

NM_001211.6(BUB1B):c.397A>G (p.Asn133Asp)

Gene: BUB1B (BUB1 mitotic checkpoint serine/threonine kinase B; plus strand). Cytogenetic location: 15q15.1.
Variant type: single nucleotide variant.
Coding change: c.397A>G on transcript NM_001211.6 (MANE Select); coding-DNA position 397, A replaced by G.
Protein change: p.Asn133Asp; replaces asparagine 133 with aspartic acid.
Molecular consequence: missense variant.
Genome position (GRCh38, 1-based): chr15:40,176,489, A>G. VCF-style: chr15-40176489-A-G. GRCh37 (hg19) VCF-style: chr15-40468690-A-G.
Other names: short protein forms N133D.
Identifiers: ClinVar variation 3221426 (VCV003221426.1), dbSNP rs2542523916, ClinGen allele CA391681060.

ClinVar aggregate classification (germline): Uncertain significance (1 of 4 stars; one submission).

Conditions:
Inborn genetic diseases. Identifiers: MedGen C0950123, MeSH D030342.

Submission:

Ambry Genetics
Classification: Uncertain significance for Inborn genetic diseases. Last evaluated: 2023-10-01. Review status: criteria provided, single submitter. Criteria: Ambry Variant Classification Scheme 2023. Collection method: clinical testing. Allele origin: germline.
Comment: The p.N133D variant (also known as c.397A>G), located in coding exon 5 of the BUB1B gene, results from an A to G substitution at nucleotide position 397. The asparagine at codon 133 is replaced by aspartic acid, an amino acid with highly similar properties. This amino acid position is conserved. In addition, this alteration is predicted to be tolerated by in silico analysis. Since supporting evidence is limited at this time, the clinical significance of this alteration remains unclear.